The following is an entry in ClinVar:

ClinVar aggregate classification (germline): Uncertain significance (1 of 4 stars; one submission).

Conditions:
Hereditary cancer-predisposing syndrome. Also called: Tumor predisposition; Hereditary neoplastic syndrome; Hereditary Cancer Syndrome; Neoplastic Syndromes, Hereditary. Identifiers: Orphanet 140162, MedGen C0027672, MeSH D009386, MONDO:0015356.

Submission:

Ambry Genetics
Classification: Uncertain significance for Hereditary cancer-predisposing syndrome. Last evaluated: 2025-04-12. Review status: criteria provided, single submitter. Criteria: Ambry Variant Classification Scheme 2023. Collection method: clinical testing. Allele origin: germline.
Comment: The p.Q295K variant (also known as c.883C>A), located in coding exon 9 of the SMARCE1 gene, results from a C to A substitution at nucleotide position 883. The glutamine at codon 295 is replaced by lysine, an amino acid with similar properties. This amino acid position is conserved. In addition, this alteration is predicted to be tolerated by in silico analysis. Based on the available evidence, the clinical significance of this variant remains unclear.

NM_003079.5(SMARCE1):c.883C>A (p.Gln295Lys)

Gene: SMARCE1 (SWI/SNF related BAF chromatin remodeling complex subunit E1; minus strand). Cytogenetic location: 17q21.2.
Variant type: single nucleotide variant.
Coding change: c.883C>A on transcript NM_003079.5 (MANE Select); coding-DNA position 883, C replaced by A.
Protein change: p.Gln295Lys; replaces glutamine 295 with lysine.
Molecular consequence: missense variant.
Genome position (GRCh38, 1-based): chr17:40,630,858, G>T on the plus strand (C>A on the coding strand, the complement: SMARCE1 is on the minus strand). VCF-style: chr17-40630858-G-T. GRCh37 (hg19) VCF-style: chr17-38787110-G-T.
Other names: short protein forms Q295K.
Identifiers: ClinVar variation 3958583 (VCV003958583.1).